The following is an entry in ClinVar:

ClinVar aggregate classification (germline): Uncertain significance (1 of 4 stars; one submission).

Conditions:
Singleton-Merten syndrome 1 (SGMRT1). Also called: Widened medullary cavities of bone, aortic calcification, abnormal dentition, and muscular weakness; Syndrome of widened medullary cavities of the metacarpals and phalanges, aortic calcification and abnormal dentition. Identifiers: Orphanet 85191, MedGen C4225427, MONDO:0024535, OMIM 182250.
Aicardi-Goutieres syndrome 7 (AGS7). Identifiers: Orphanet 51, MedGen C3888244, MONDO:0014367, OMIM 615846.

Submission:

Labcorp Genetics (formerly Invitae), Labcorp
Classification: Uncertain significance for Aicardi-Goutieres syndrome 7; Singleton-Merten syndrome 1. Last evaluated: 2026-01-28. Review status: criteria provided, single submitter. Criteria: Invitae Variant Classification Sherloc (09022015). Collection method: clinical testing. Allele origin: germline.
Comment: This sequence change replaces alanine, which is neutral and non-polar, with valine, which is neutral and non-polar, at codon 430 of the IFIH1 protein (p.Ala430Val). This variant is not present in population databases (gnomAD no frequency). This variant has not been reported in the literature in individuals affected with IFIH1-related conditions. Invitae Evidence Modeling of protein sequence and biophysical properties (such as structural, functional, and spatial information, amino acid conservation, physicochemical variation, residue mobility, and thermodynamic stability) has been performed for this missense variant. However, the output from this modeling did not meet the statistical confidence thresholds required to predict the impact of this variant on IFIH1 protein function. In summary, the available evidence is currently insufficient to determine the role of this variant in disease. Therefore, it has been classified as a Variant of Uncertain Significance.

NM_022168.4(IFIH1):c.1289C>T (p.Ala430Val)

Gene: IFIH1 (interferon induced with helicase C domain 1; minus strand). Cytogenetic location: 2q24.2.
Variant type: single nucleotide variant.
Coding change: c.1289C>T on transcript NM_022168.4 (MANE Select); coding-DNA position 1289, C replaced by T.
Protein change: p.Ala430Val; replaces alanine 430 with valine.
Molecular consequence: missense variant.
Genome position (GRCh38, 1-based): chr2:162,282,383, G>A on the plus strand (C>T on the coding strand, the complement: IFIH1 is on the minus strand). VCF-style: chr2-162282383-G-A. GRCh37 (hg19) VCF-style: chr2-163138893-G-A.
Other names: short protein forms A430V.
Identifiers: ClinVar variation 4789320 (VCV004789320.1).